The following is an entry in ClinVar:

ClinVar aggregate classification (germline): Uncertain significance (1 of 4 stars; one submission).

gnomAD v4.1: 1 of 1,613,276 alleles (0.000062%); highest among the groups gnomAD compares: Non-Finnish European, 0.000085%; no homozygotes.

Submission:

Ambry Genetics
Classification: Uncertain significance. Last evaluated: 2024-09-11. Review status: criteria provided, single submitter. Criteria: Ambry Variant Classification Scheme 2023. Collection method: clinical testing. Allele origin: germline.
Comment: The p.L15I variant (also known as c.43C>A), located in coding exon 1 of the MYOM1 gene, results from a C to A substitution at nucleotide position 43. The leucine at codon 15 is replaced by isoleucine, an amino acid with highly similar properties. This amino acid position is conserved. In addition, this alteration is predicted to be tolerated by in silico analysis. Based on the available evidence, the clinical significance of this variant remains unclear.

NM_003803.4(MYOM1):c.43C>A (p.Leu15Ile)

Gene: MYOM1 (myomesin 1; minus strand). Cytogenetic location: 18p11.31.
Variant type: single nucleotide variant.
Coding change: c.43C>A on transcript NM_003803.4 (MANE Select); coding-DNA position 43, C replaced by A.
Protein change: p.Leu15Ile; replaces leucine 15 with isoleucine.
Molecular consequence: missense variant.
Genome position (GRCh38, 1-based): chr18:3,215,181, G>T on the plus strand (C>A on the coding strand, the complement: MYOM1 is on the minus strand). VCF-style: chr18-3215181-G-T. GRCh37 (hg19) VCF-style: chr18-3215179-G-T.
Other names: c.43C>A, p.Leu15Ile (NM_019856.2); short protein forms L15I.
Identifiers: ClinVar variation 3401851 (VCV003401851.1).